The following is an entry in ClinVar:

NM_001614.5(ACTG1):c.1086CGA[1] (p.Asp363del)

Gene: ACTG1 (actin gamma 1; minus strand). Cytogenetic location: 17q25.3.
Variant type: Microsatellite.
Coding change: c.1086CGA[1] on transcript NM_001614.5 (MANE Select); one copy of the 3-base unit CGA starting at c.1086; the reference has two copies in a row; one copy, 3 bases deleted.
Protein change: p.Asp363del; deletes aspartic acid 363.
Molecular consequence: inframe deletion. On other transcripts: non-coding transcript variant (1).
Genome position (GRCh38, 1-based): chr17:81,510,727-81,510,729, TCG deleted on the plus strand (CGA on the coding strand, the reverse complement: ACTG1 is on the minus strand); deleting any 3 consecutive bases within chr17:81,510,727-81,510,733 gives the same sequence; the position shown is the placement nearest the transcript's 3' end. VCF-style (leftmost placement, unchanged base first): chr17-81510726-CTCG-C. GRCh37 (hg19) VCF-style: chr17-79477752-CTCG-C.
Other names: c.1086CGA[1], p.Asp363del (NM_001199954.3); short protein forms D363del.
Identifiers: ClinVar variation 1707755 (VCV001707755.2), dbSNP rs2031712515, ClinGen allele CA2278539349.

ClinVar aggregate classification (germline): Uncertain significance (1 of 4 stars; one submission).

Submission:

GeneDx
Classification: Uncertain significance. Last evaluated: 2022-03-28. Review status: criteria provided, single submitter. Criteria: GeneDx Variant Classification Process June 2021. Collection method: clinical testing. Allele origin: germline. Affected: yes.
Comment: Not observed at significant frequency in large population cohorts (gnomAD); In-frame deletion of 1 amino acid in a non-repeat region; In silico analysis supports a deleterious effect on protein structure/function; Has not been previously published as pathogenic or benign to our knowledge